The following is an entry in ClinVar:

NM_000038.6(APC):c.1958+34C>T

Gene: APC (APC regulator of Wnt signaling pathway; plus strand). Cytogenetic location: 5q22.2.
Variant type: single nucleotide variant.
Coding change: c.1958+34C>T on transcript NM_000038.6 (MANE Select); 34 bases into the intron after coding-DNA position 1958, C replaced by T.
Molecular consequence: intron variant.
Genome position (GRCh38, 1-based): chr5:112,835,199, C>T. VCF-style: chr5-112835199-C-T. GRCh37 (hg19) VCF-style: chr5-112170896-C-T.
Other names: c.1109+34C>T (NM_001407470.1, NM_001354906.2); c.806+34C>T (NM_001407472.1, NM_001407471.1); c.2012+34C>T (NM_001407447.1, NM_001407448.1, NM_001407449.1 and 1 more transcripts); c.1958+34C>T (NM_001354895.2, NM_001407450.1, NM_001127510.3); c.1709+34C>T (NM_001407456.1, NM_001407457.1, NM_001407455.1 and 1 more transcripts); c.1655+34C>T (NM_001407460.1, NM_001407458.1, NM_001407459.1 and 1 more transcripts); c.1928+34C>T (NM_001407452.1); c.1571+34C>T (NM_001407469.1, NM_001407467.1); and 11 more.
Identifiers: ClinVar variation 3147984 (VCV003147984.1), dbSNP rs746596997, ClinGen allele CA2709726475.

ClinVar aggregate classification (germline): Benign (1 of 4 stars; one submission).

Conditions:
Familial adenomatous polyposis 1 (FAP1). Also called: POLYPOSIS, ADENOMATOUS INTESTINAL; FAMILIAL ADENOMATOUS POLYPOSIS 1, ATTENUATED. Identifiers: MedGen C2713442, MONDO:0021056, OMIM 175100. Disease mechanism: loss of function.

Submission:

Myriad Genetics, Inc.
Classification: Benign for Familial adenomatous polyposis 1. Last evaluated: 2024-03-08. Review status: criteria provided, single submitter. Criteria: Myriad Autosomal Dominant, Autosomal Recessive and X-Linked Classification Criteria (2023). Collection method: clinical testing. Allele origin: unknown.
Comment: This variant is considered benign. This variant is intronic and is not expected to impact mRNA splicing.